The following is an entry in ClinVar:

ClinVar aggregate classification (germline): Pathogenic (1 of 4 stars; one submission).

Conditions:
Hereditary cancer-predisposing syndrome. Also called: Hereditary Cancer Syndrome; Neoplastic Syndromes, Hereditary; Tumor predisposition; Hereditary neoplastic syndrome. Identifiers: Orphanet 140162, MedGen C0027672, MeSH D009386, MONDO:0015356.

Submission:

Ambry Genetics
Classification: Pathogenic for Hereditary cancer-predisposing syndrome. Last evaluated: 2022-03-22. Review status: criteria provided, single submitter. Criteria: Ambry Variant Classification Scheme 2023. Collection method: clinical testing. Allele origin: germline.
Comment: The c.4929delA pathogenic mutation, located in coding exon 14 of the BRCA1 gene, results from a deletion of one nucleotide at nucleotide position 4929, causing a translational frameshift with a predicted alternate stop codon (p.E1644Kfs*14). This alteration is expected to result in loss of function by premature protein truncation or nonsense-mediated mRNA decay. As such, this alteration is interpreted as a disease-causing mutation.

NM_007294.4(BRCA1):c.4929del (p.Glu1644fs)

Gene: BRCA1 (BRCA1 DNA repair associated; minus strand). Cytogenetic location: 17q21.31.
Variant type: Deletion.
Coding change: c.4929del on transcript NM_007294.4 (MANE Select); coding-DNA position 4929, one base deleted (A; older notation c.4929delA).
Protein change: p.Glu1644fs; shifts the reading frame from glutamic acid 1644.
Molecular consequence: frameshift variant. On other transcripts: non-coding transcript variant (1).
Genome position (GRCh38, 1-based): chr17:43,070,985, T deleted on the plus strand (A on the coding strand, the reverse complement: BRCA1 is on the minus strand). VCF-style (leftmost placement, unchanged base first): chr17-43070984-CT-C. GRCh37 (hg19) VCF-style: chr17-41223001-CT-C.
Other names: c.4782delA, p.Glu1595Lysfs (NM_001407846.1, NM_001407849.1, NM_001407850.1 and 12 more transcripts); c.1491delA, p.Glu498Lysfs (NM_001408448.1, NM_001408450.1, NM_001408447.1 and 2 more transcripts); c.1485delA, p.Glu496Lysfs (NM_001408451.1); c.1479delA, p.Glu494Lysfs (NM_001408452.1, NM_001408453.1, NM_001408454.1 and 3 more transcripts); c.4716delA, p.Glu1573Lysfs (NM_001407907.1, NM_001407908.1, NM_001407909.1 and 12 more transcripts); c.4995delA, p.Glu1666Lysfs (NM_001407581.1, NM_001407582.1); c.4992delA, p.Glu1665Lysfs (NM_001407583.1, NM_001407585.1, NM_001407587.1); c.4713delA, p.Glu1572Lysfs (NM_001407915.1, NM_001407916.1, NM_001407917.1 and 1 more transcripts); and 73 more; short protein forms E1597fs, E540fs, E1665fs, E1644fs.
Identifiers: ClinVar variation 1744168 (VCV001744168.2), dbSNP rs2550863830, ClinGen allele CA2580094006.